The following is an entry in ClinVar:

ClinVar aggregate classification (germline): Uncertain significance (1 of 4 stars; one submission).

Allele frequency attached by ClinVar (database versions not stated): TOPMed below 0.00001; gnomAD 0.00001.
gnomAD v4.1: 1 of 1,604,718 alleles (0.000062%); highest among the groups gnomAD compares: African/African-American, 0.0013%; no homozygotes.

Submission:

Labcorp Genetics (formerly Invitae), Labcorp
Classification: Uncertain significance. Last evaluated: 2019-11-27. Review status: criteria provided, single submitter. Criteria: Invitae Variant Classification Sherloc (09022015). Collection method: clinical testing. Allele origin: germline.
Comment: This sequence change replaces serine with phenylalanine at codon 119 of the C1QTNF5 protein (p.Ser119Phe). The serine residue is moderately conserved and there is a large physicochemical difference between serine and phenylalanine. In summary, the available evidence is currently insufficient to determine the role of this variant in disease. Therefore, it has been classified as a Variant of Uncertain Significance. Algorithms developed to predict the effect of missense changes on protein structure and function are either unavailable or do not agree on the potential impact of this missense change (SIFT: "Deleterious"; PolyPhen-2: "Benign"; Align-GVGD: "Class C15"). This variant has not been reported in the literature in individuals with C1QTNF5-related conditions. This variant is not present in population databases (ExAC no frequency).

NM_001278431.2(C1QTNF5):c.356C>T (p.Ser119Phe)

Genes: C1QTNF5 (C1q and TNF related 5; minus strand), MFRP (membrane frizzled-related protein; minus strand). Cytogenetic location: 11q23.3.
Variant type: single nucleotide variant.
Coding change: c.356C>T on transcript NM_001278431.2 (MANE Select); coding-DNA position 356, C replaced by T.
Protein change: p.Ser119Phe; replaces serine 119 with phenylalanine.
Molecular consequence: missense variant. On other transcripts: 3 prime UTR variant (1).
Genome position (GRCh38, 1-based): chr11:119,339,707, G>A on the plus strand (C>T on the coding strand, the complement: C1QTNF5 is on the minus strand). VCF-style: chr11-119339707-G-A. GRCh37 (hg19) VCF-style: chr11-119210417-G-A.
Other names: c.356C>T, p.Ser119Phe (NM_015645.5); c.*1252C>T (NM_031433.4); short protein forms S119F.
Identifiers: ClinVar variation 852148 (VCV000852148.9), dbSNP rs1197223354, ClinGen allele CA382969346.
Genomic context (GRCh38, chr11:119,339,707, plus strand): 5'-ACGGCGTCGTAATGTCCCTGCTCGTTCACCAGCACGCGGTCGAAGGGCAAGGGTGCGTCA[G>A]ACGGCGGAGGCACCCGGCTCTCGGAGCGCTTGGCGCTGAAGGCGGATCGCGGAGGCACCG-3'
Protein context (NP_001265360.1, residues 109-129): KRSESRVPPP[Ser119Phe]DAPLPFDRVL